The following is an entry in ClinVar:

NM_000038.6(APC):c.3759T>A (p.Ser1253=)

Gene: APC (APC regulator of Wnt signaling pathway; plus strand). Cytogenetic location: 5q22.2.
Variant type: single nucleotide variant.
Coding change: c.3759T>A on transcript NM_000038.6 (MANE Select); coding-DNA position 3759, T replaced by A.
Protein change: p.Ser1253=; no amino-acid change (serine 1253 retained).
Molecular consequence: synonymous variant. On other transcripts: non-coding transcript variant (2).
Genome position (GRCh38, 1-based): chr5:112,839,353, T>A. VCF-style: chr5-112839353-T-A. GRCh37 (hg19) VCF-style: chr5-112175050-T-A.
Other names: c.3759T>A, p.Ser1253= (NM_001127510.3, NM_001354895.2, NM_001407450.1); c.3705T>A, p.Ser1235= (NM_001127511.3); c.3813T>A, p.Ser1271= (NM_001354896.2, NM_001407447.1, NM_001407448.1 and 1 more transcripts); c.3789T>A, p.Ser1263= (NM_001354897.2); c.3684T>A, p.Ser1228= (NM_001354898.2); c.3675T>A, p.Ser1225= (NM_001354899.2); c.3636T>A, p.Ser1212= (NM_001354900.2); c.3582T>A, p.Ser1194= (NM_001354901.2, NM_001407453.1); and 12 more.
Identifiers: ClinVar variation 3148558 (VCV003148558.1), dbSNP rs1214264655, ClinGen allele CA445963676.
Genomic context (GRCh38, chr5:112,839,353, plus strand): 5'-AAGTTCTGCACAGAGTAGAAGTGGTCAGCCTCAAAAGGCTGCCACTTGCAAAGTTTCTTC[T>A]ATTAACCAAGAAACAATACAGACTTATTGTGTAGAAGATACTCCAATATGTTTTTCAAGA-3'
Protein context (NP_000029.2, residues 1243-1263): PQKAATCKVS[Ser1253=]INQETIQTYC

ClinVar aggregate classification (germline): Benign/Likely benign. Review status: criteria provided, multiple submitters, no conflicts (2 of 4 stars). 2 submissions from 2 submitters: Benign (1); Likely benign (1). Last evaluated 2024-03-22.

Conditions:
Hereditary cancer-predisposing syndrome. Also called: Neoplastic Syndromes, Hereditary; Tumor predisposition; Hereditary neoplastic syndrome; Hereditary Cancer Syndrome. Identifiers: Orphanet 140162, MedGen C0027672, MeSH D009386, MONDO:0015356.
Familial adenomatous polyposis 1 (FAP1). Also called: POLYPOSIS, ADENOMATOUS INTESTINAL; FAMILIAL ADENOMATOUS POLYPOSIS 1, ATTENUATED. Identifiers: MedGen C2713442, MONDO:0021056, OMIM 175100. Disease mechanism: loss of function.

Submissions (2):

Myriad Genetics, Inc.
Classification: Benign for Familial adenomatous polyposis 1. Last evaluated: 2024-03-22. Review status: criteria provided, single submitter. Criteria: Myriad Autosomal Dominant, Autosomal Recessive and X-Linked Classification Criteria (2023). Collection method: clinical testing. Allele origin: unknown.
Comment: This variant is considered benign. This variant is a silent/synonymous amino acid change and it is not expected to impact splicing.

Ambry Genetics
Classification: Likely benign for Hereditary cancer-predisposing syndrome. Last evaluated: 2024-03-05. Review status: criteria provided, single submitter. Criteria: Ambry Variant Classification Scheme 2023. Collection method: clinical testing. Allele origin: germline.